The following is an entry in ClinVar:

ClinVar aggregate classification (germline): Uncertain significance. Review status: criteria provided, multiple submitters, no conflicts (2 of 4 stars). 2 submissions from 2 submitters: Uncertain significance (2). Last evaluated 2026-05-04.

Conditions:
Hereditary cancer-predisposing syndrome. Also called: Neoplastic Syndromes, Hereditary; Tumor predisposition; Hereditary Cancer Syndrome; Hereditary neoplastic syndrome. Identifiers: Orphanet 140162, MedGen C0027672, MeSH D009386, MONDO:0015356.

Submissions (2):

Ambry Genetics
Classification: Uncertain significance for Hereditary cancer-predisposing syndrome. Last evaluated: 2026-05-04. Review status: criteria provided, single submitter. Criteria: Ambry Variant Classification Scheme 2023. Collection method: clinical testing. Allele origin: germline.
Comment: The c.2730+4C>T intronic variant results from a C to T substitution 4 nucleotides after coding exon 15 in the RET gene. This nucleotide position is highly conserved in available vertebrate species. In silico splice site analysis predicts that this alteration may result in the creation or strengthening of a novel splice donor site. Based on the available evidence, the clinical significance of this variant remains unclear.

GeneDx
Classification: Uncertain significance. Last evaluated: 2022-11-04. Review status: criteria provided, single submitter. Criteria: GeneDx Variant Classification Process June 2021. Collection method: clinical testing. Allele origin: germline. Affected: yes.
Comment: Not observed at significant frequency in large population cohorts (gnomAD); In silico analysis suggests this variant may impact gene splicing. In the absence of RNA/functional studies, the actual effect of this sequence change is unknown.; Has not been previously published as pathogenic or benign to our knowledge

NM_020975.6(RET):c.2730+4C>T

Gene: RET (ret proto-oncogene; plus strand). Cytogenetic location: 10q11.21.
Variant type: single nucleotide variant.
Coding change: c.2730+4C>T on transcript NM_020975.6 (MANE Select); 4 bases into the intron after coding-DNA position 2730, C replaced by T.
Molecular consequence: intron variant.
Genome position (GRCh38, 1-based): chr10:43,120,207, C>T. VCF-style: chr10-43120207-C-T. GRCh37 (hg19) VCF-style: chr10-43615655-C-T.
Other names: c.2730+4C>T (NM_020630.7, NM_001406743.1, NM_001406744.1 and 3 more transcripts); c.2595+4C>T (NM_001406765.1, NM_001406763.1); c.2334+4C>T (NM_001406772.1, NM_001406769.1); c.2292+4C>T (NM_001406773.1, NM_001406771.1); c.1833+4C>T (NM_001406782.1, NM_001406780.1, NM_001406779.1 and 1 more transcripts); c.1698+4C>T (NM_001406787.1); c.1713+4C>T (NM_001406785.1); c.2601+4C>T (NM_001406764.1, NM_001406762.1, NM_001406761.1); and 10 more.
Identifiers: ClinVar variation 2501609 (VCV002501609.2), dbSNP rs2132965192, ClinGen allele CA2574532210.